The following is an entry in ClinVar:

ClinVar aggregate classification (germline): Uncertain significance (1 of 4 stars; one submission).

Allele frequency attached by ClinVar (database versions not stated): gnomAD exomes 0.00001.

Submission:

Labcorp Genetics (formerly Invitae), Labcorp
Classification: Uncertain significance. Last evaluated: 2021-02-12. Review status: criteria provided, single submitter. Criteria: Invitae Variant Classification Sherloc (09022015). Collection method: clinical testing. Allele origin: germline.
Comment: In summary, the available evidence is currently insufficient to determine the role of this variant in disease. Therefore, it has been classified as a Variant of Uncertain Significance. Algorithms developed to predict the effect of missense changes on protein structure and function output the following: SIFT: "Deleterious"; PolyPhen-2: "Benign"; Align-GVGD: "Class C0". The isoleucine amino acid residue is found in multiple mammalian species, suggesting that this missense change does not adversely affect protein function. These predictions have not been confirmed by published functional studies and their clinical significance is uncertain. This variant has not been reported in the literature in individuals with CDHR1-related conditions. This variant is not present in population databases (ExAC no frequency). This sequence change replaces valine with isoleucine at codon 144 of the CDHR1 protein (p.Val144Ile). The valine residue is highly conserved and there is a small physicochemical difference between valine and isoleucine.

NM_033100.4(CDHR1):c.430G>A (p.Val144Ile)

Gene: CDHR1 (cadherin related family member 1; plus strand). Cytogenetic location: 10q23.1.
Variant type: single nucleotide variant.
Coding change: c.430G>A on transcript NM_033100.4 (MANE Select); coding-DNA position 430, G replaced by A.
Protein change: p.Val144Ile; replaces valine 144 with isoleucine.
Molecular consequence: missense variant.
Genome position (GRCh38, 1-based): chr10:84,199,113, G>A. VCF-style: chr10-84199113-G-A. GRCh37 (hg19) VCF-style: chr10-85958869-G-A.
Other names: c.430G>A, p.Val144Ile (NM_001171971.3); short protein forms V144I.
Identifiers: ClinVar variation 1004554 (VCV001004554.8), dbSNP rs1228647950, ClinGen allele CA377371112.
Genomic context (GRCh38, chr10:84,199,113, plus strand): 5'-CTGGTGACCGATGCCAATGATGAGGCGCCCAGGTTCATCCAGGAGCCTTATGTTGCCCTG[G>A]TTCCCGAGGTAAGTGAGGAGCTGCTAGAGGGGCTGATTTTCCCACCCAGGCCCATAGCCT-3'
Protein context (NP_149091.1, residues 134-154): RFIQEPYVAL[Val144Ile]PEDIPAGSII